The following is an entry in ClinVar:

ClinVar aggregate classification (germline): Likely benign. Review status: criteria provided, multiple submitters, no conflicts (2 of 4 stars). 3 submissions from 3 submitters: Likely benign (3). Last evaluated 2025-07-22.

Conditions:
Familial thoracic aortic aneurysm and aortic dissection (TAAD). Also called: Thoracic aortic aneurysms and dissections. Identifiers: Orphanet 91387, MedGen C4707243, MONDO:0019625.
Ehlers-Danlos syndrome, classic type, 1 (EDSCL1). Also called: Ehlers-Danlos syndrome, type 1; Ehlers-Danlos Syndrome, Classic Type, COL5A1-Related; EHLERS-DANLOS SYNDROME, GRAVIS TYPE; EHLERS-DANLOS SYNDROME, SEVERE CLASSIC TYPE; EDS I. Identifiers: MedGen C0268335, MONDO:0019567, OMIM 130000.

Allele frequency attached by ClinVar (database versions not stated): ExAC 0.00002; gnomAD exomes 0.00002.
gnomAD v4.1: 24 of 1,614,074 alleles (0.0015%); highest among the groups gnomAD compares: South Asian, 0.0033%; no homozygotes.

Submissions (3):

Labcorp Genetics (formerly Invitae), Labcorp
Classification: Likely benign for Ehlers-Danlos syndrome, classic type, 1. Last evaluated: 2025-07-22. Review status: criteria provided, single submitter. Criteria: Invitae Variant Classification Sherloc (09022015). Collection method: clinical testing. Allele origin: germline.

CeGaT Center for Human Genetics Tuebingen
Classification: Likely benign. Last evaluated: 2022-09-01. Review status: criteria provided, single submitter. Criteria: CeGaT Center For Human Genetics Tuebingen Variant Classification Criteria Version 2. Collection method: clinical testing. Allele origin: germline. Affected: yes. Observed: 1 variant allele.
Comment: COL5A1: BP4, BP7

Ambry Genetics
Classification: Likely benign for Familial thoracic aortic aneurysm and aortic dissection. Last evaluated: 2022-07-08. Review status: criteria provided, single submitter. Criteria: Ambry Variant Classification Scheme 2023. Collection method: clinical testing. Allele origin: germline.

NM_000093.5(COL5A1):c.1296G>A (p.Pro432=)

Gene: COL5A1 (collagen type V alpha 1 chain; plus strand). Cytogenetic location: 9q34.3.
Variant type: single nucleotide variant.
Coding change: c.1296G>A on transcript NM_000093.5 (MANE Select); coding-DNA position 1296, G replaced by A.
Protein change: p.Pro432=; no amino-acid change (proline 432 retained).
Molecular consequence: synonymous variant.
Genome position (GRCh38, 1-based): chr9:134,731,627, G>A. VCF-style: chr9-134731627-G-A. GRCh37 (hg19) VCF-style: chr9-137623473-G-A.
Other names: c.1296G>A, p.Pro432= (NM_001278074.1).
Identifiers: ClinVar variation 1769220 (VCV001769220.31), dbSNP rs774882530, ClinGen allele CA5318703.
Genomic context (GRCh38, chr9:134,731,627, plus strand): 5'-TGACGAGAACTACTACGACCCCTACTACGACCCCACCAGCTCCCCGTCGGAGATCGGGCC[G>A]GGAATGCCGGCGAACCAGGATACCATCTATGAAGGGGTGAGAGGGTGCAGGCCCCCGTTC-3'
Protein context (NP_000084.3, residues 422-442): DPTSSPSEIG[Pro432=]GMPANQDTIY